The following is an entry in ClinVar:

ClinVar aggregate classification (germline): Uncertain significance. Review status: criteria provided, multiple submitters, no conflicts (2 of 4 stars). 2 submissions from 2 submitters: Uncertain significance (2). Last evaluated 2024-12-27.

Allele frequency attached by ClinVar (database versions not stated): ExAC 0.00001; gnomAD 0.00001; gnomAD exomes 0.00001; TOPMed 0.00002.
gnomAD v4.1: 14 of 1,613,648 alleles (0.00087%); highest among the groups gnomAD compares: East Asian, 0.0089%; no homozygotes.

Submissions (2):

GeneDx
Classification: Uncertain significance. Last evaluated: 2024-12-27. Review status: criteria provided, single submitter. Criteria: GeneDx Variant Classification Process June 2021. Collection method: clinical testing. Allele origin: germline. Affected: yes.
Comment: In silico analysis indicates that this missense variant does not alter protein structure/function; Has not been previously published as pathogenic or benign to our knowledge

Labcorp Genetics (formerly Invitae), Labcorp
Classification: Uncertain significance. Last evaluated: 2022-08-06. Review status: criteria provided, single submitter. Criteria: Invitae Variant Classification Sherloc (09022015). Collection method: clinical testing. Allele origin: germline.
Comment: This sequence change replaces glycine, which is neutral and non-polar, with arginine, which is basic and polar, at codon 701 of the CTDP1 protein (p.Gly701Arg). In summary, the available evidence is currently insufficient to determine the role of this variant in disease. Therefore, it has been classified as a Variant of Uncertain Significance. Algorithms developed to predict the effect of missense changes on protein structure and function output the following: SIFT: "Tolerated"; PolyPhen-2: "Benign"; Align-GVGD: "Class C0". The arginine amino acid residue is found in multiple mammalian species, which suggests that this missense change does not adversely affect protein function. This variant has not been reported in the literature in individuals affected with CTDP1-related conditions. This variant is present in population databases (rs761298575, gnomAD 0.01%).

NM_004715.5(CTDP1):c.2101G>A (p.Gly701Arg)

Gene: CTDP1 (CTD phosphatase subunit 1; plus strand). Cytogenetic location: 18q23.
Variant type: single nucleotide variant.
Coding change: c.2101G>A on transcript NM_004715.5 (MANE Select); coding-DNA position 2101, G replaced by A.
Protein change: p.Gly701Arg; replaces glycine 701 with arginine.
Molecular consequence: missense variant.
Genome position (GRCh38, 1-based): chr18:79,717,567, G>A. VCF-style: chr18-79717567-G-A. GRCh37 (hg19) VCF-style: chr18-77477567-G-A.
Other names: c.1744G>A, p.Gly582Arg (NM_001202504.1); c.2101G>A, p.Gly701Arg (NM_001318511.2, NM_048368.4); short protein forms G701R, G582R.
Identifiers: ClinVar variation 1975028 (VCV001975028.6), dbSNP rs761298575, ClinGen allele CA9010466.